The following is an entry in ClinVar:

ClinVar aggregate classification (germline): Benign. Review status: criteria provided, multiple submitters, no conflicts (2 of 4 stars). 3 submissions from 3 submitters: Benign (2). 1 of the submissions does not count toward it. Last evaluated 2018-01-13.

Conditions:
APOA2-related disorder. Also called: APOA2-related condition.
APOLIPOPROTEIN A-II DEFICIENCY (APOA2D). Identifiers: MedGen C3888202, MONDO:0980749, OMIM 621417.

Allele frequency attached by ClinVar (database versions not stated): gnomAD exomes 0.11094; ESP Exome Variant Server 0.08219; gnomAD 0.08688 and 0.08323; 1000 Genomes Project 0.10304; ExAC 0.11352; TOPMed 0.08514; 1000 Genomes Project 30x 0.09822.
gnomAD v4.1: 178,687 of 1,611,414 alleles (11%); highest among the groups gnomAD compares: East Asian, 20%; 10,689 homozygotes.

Submissions (3):

Illumina Laboratory Services, Illumina
Classification: Benign for Apolipoprotein A-II deficiency. Last evaluated: 2018-01-13. Review status: criteria provided, single submitter. Criteria: ICSL Variant Classification Criteria 13 December 2019. Collection method: clinical testing. Allele origin: germline.
Comment: This variant was observed in the ICSL laboratory as part of a predisposition screen in an ostensibly healthy population. It had not been previously curated by ICSL or reported in the Human Gene Mutation Database (HGMD: prior to June 1st, 2018), and was therefore a candidate for classification through an automated scoring system. Utilizing variant allele frequency, disease prevalence and penetrance estimates, and inheritance mode, an automated score was calculated to assess if this variant is too frequent to cause the disease. Based on the score and internal cut-off values, a variant classified as benign is not then subjected to further curation. The score for this variant resulted in a classification of benign for this disease.

Breakthrough Genomics
Classification: Benign. Review status: criteria provided, single submitter. Criteria: ACMG Guidelines, 2015. Collection method: not provided. Allele origin: germline. Inheritance: Autosomal dominant inheritance. Affected: yes.

PreventionGenetics, part of Exact Sciences
Classification: Benign for APOA2-related condition. Last evaluated: 2019-03-01. Review status: no assertion criteria provided. Collection method: clinical testing. Allele origin: germline. Not counted in ClinVar's aggregate classification.
Comment: This variant is classified as benign based on ACMG/AMP sequence variant interpretation guidelines (Richards et al. 2015 PMID: 25741868, with internal and published modifications).

NM_001643.2(APOA2):c.186-4C>T

Gene: APOA2 (apolipoprotein A2; minus strand). Cytogenetic location: 1q23.3.
Variant type: single nucleotide variant.
Coding change: c.186-4C>T on transcript NM_001643.2 (MANE Select); 4 bases into the intron before coding-DNA position 186, C replaced by T.
Molecular consequence: intron variant.
Genome position (GRCh38, 1-based): chr1:161,222,526, G>A on the plus strand (C>T on the coding strand, the complement: APOA2 is on the minus strand). VCF-style: chr1-161222526-G-A. GRCh37 (hg19) VCF-style: chr1-161192316-G-A.
Identifiers: ClinVar variation 293292 (VCV000293292.8), dbSNP rs6413453, ClinGen allele CA1209106.
Genomic context (GRCh38, chr1:161,222,526, plus strand): 5'-GTTCCAGCCTTCTTGATCAGGGGTGTCAGCTGCTCCTTTGACTTTTCAAAGTAAGACCTG[G>A]ATAGGTGAGGGGATTAGAGTTTAATCTGAGGGACCCTAGGCACTGGCAGGGGCCTTGGTG-3'